The following is an entry in ClinVar:

ClinVar aggregate classification (germline): Uncertain significance. Review status: criteria provided, multiple submitters, no conflicts (2 of 4 stars). 3 submissions from 3 submitters: Uncertain significance (3). Last evaluated 2025-11-01.

Conditions:
Gnathodiaphyseal dysplasia (GDD). Also called: GNATHODIAPHYSEAL SCLEROSIS; OSTEOGENESIS IMPERFECTA WITH UNUSUAL SKELETAL LESIONS. Identifiers: Orphanet 53697, MedGen C1833736, MONDO:0008151, OMIM 166260.
Autosomal recessive limb-girdle muscular dystrophy type 2L (LGMDR12). Also called: Limb-girdle muscular dystrophy, type 2L; Limb-Girdle Muscular Dystrophy R12 Anoctamin-5-Related (LGMD-R12); MUSCULAR DYSTROPHY, LIMB-GIRDLE, AUTOSOMAL RECESSIVE 12. Identifiers: Orphanet 206549, MedGen C1969785, MONDO:0012652, OMIM 611307.

Allele frequency attached by ClinVar (database versions not stated): gnomAD exomes 0.00001 and 0.00002; ExAC 0.00002; gnomAD 0.00003; TOPMed 0.00003; ESP Exome Variant Server 0.00008.
gnomAD v4.1: 18 of 1,613,450 alleles (0.0011%); highest among the groups gnomAD compares: African/African-American, 0.011%; no homozygotes.

Submissions (3):

CeGaT Center for Human Genetics Tuebingen
Classification: Uncertain significance. Last evaluated: 2025-11-01. Review status: criteria provided, single submitter. Criteria: CeGaT Center For Human Genetics Tuebingen Variant Classification Criteria Version 2. Collection method: clinical testing. Allele origin: germline. Affected: yes. Observed: 1 variant allele.
Comment: ANO5: PM2, BP4

Labcorp Genetics (formerly Invitae), Labcorp
Classification: Uncertain significance for Autosomal recessive limb-girdle muscular dystrophy type 2L; Gnathodiaphyseal dysplasia. Last evaluated: 2021-07-13. Review status: criteria provided, single submitter. Criteria: Invitae Variant Classification Sherloc (09022015). Collection method: clinical testing. Allele origin: germline.
Comment: Advanced modeling of protein sequence and biophysical properties (such as structural, functional, and spatial information, amino acid conservation, physicochemical variation, residue mobility, and thermodynamic stability) performed at Invitae indicates that this missense variant is not expected to disrupt ANO5 protein function. In summary, the available evidence is currently insufficient to determine the role of this variant in disease. Therefore, it has been classified as a Variant of Uncertain Significance. This variant has not been reported in the literature in individuals with ANO5-related conditions. This sequence change replaces histidine with arginine at codon 194 of the ANO5 protein (p.His194Arg). The histidine residue is weakly conserved and there is a small physicochemical difference between histidine and arginine. This variant is present in population databases (rs146418790, ExAC 0.02%).

Revvity Omics, Revvity
Classification: Uncertain significance. Last evaluated: 2020-10-30. Review status: criteria provided, single submitter. Criteria: ACMG Guidelines, 2015. Collection method: clinical testing. Allele origin: germline.

NM_213599.3(ANO5):c.581A>G (p.His194Arg)

Gene: ANO5 (anoctamin 5; plus strand). Cytogenetic location: 11p14.3.
Variant type: single nucleotide variant.
Coding change: c.581A>G on transcript NM_213599.3 (MANE Select); coding-DNA position 581, A replaced by G.
Protein change: p.His194Arg; replaces histidine 194 with arginine.
Molecular consequence: missense variant.
Genome position (GRCh38, 1-based): chr11:22,227,519, A>G. VCF-style: chr11-22227519-A-G. GRCh37 (hg19) VCF-style: chr11-22249065-A-G.
Other names: c.581A>G (NM_213599.2); c.578A>G, p.His193Arg (NM_001142649.2); short protein forms H193R, H194R.
Identifiers: ClinVar variation 1506315 (VCV001506315.16), dbSNP rs146418790, ClinGen allele CA5922949.